The following is an entry in ClinVar:

NM_001370259.2(MEN1):c.1475C>T (p.Pro492Leu)

Gene: MEN1 (menin 1; minus strand). Cytogenetic location: 11q13.1.
Variant type: single nucleotide variant.
Coding change: c.1475C>T on transcript NM_001370259.2 (MANE Select); coding-DNA position 1475, C replaced by T.
Protein change: p.Pro492Leu; replaces proline 492 with leucine.
Molecular consequence: missense variant.
Genome position (GRCh38, 1-based): chr11:64,804,692, G>A on the plus strand (C>T on the coding strand, the complement: MEN1 is on the minus strand). VCF-style: chr11-64804692-G-A. GRCh37 (hg19) VCF-style: chr11-64572164-G-A.
Other names: c.1490C>T, p.Pro497Leu (NM_000244.4, NM_130800.3, NM_130801.3 and 3 more transcripts); c.1601C>T, p.Pro534Leu (NM_001370251.2); c.1475C>T, p.Pro492Leu (NM_001370260.2, NM_001370261.2, NM_130799.3); c.1370C>T, p.Pro457Leu (NM_001370262.2, NM_001370263.2); short protein forms P492L, P457L, P497L, P534L.
Identifiers: ClinVar variation 860943 (VCV000860943.13), dbSNP rs1025851127, ClinGen allele CA223912009.

ClinVar aggregate classification (germline): Uncertain significance. Review status: criteria provided, multiple submitters, no conflicts (2 of 4 stars). 3 submissions from 3 submitters: Uncertain significance (3). Last evaluated 2025-11-10.

Conditions:
Hereditary cancer-predisposing syndrome. Also called: Hereditary neoplastic syndrome; Tumor predisposition; Neoplastic Syndromes, Hereditary; Hereditary Cancer Syndrome. Identifiers: Orphanet 140162, MedGen C0027672, MeSH D009386, MONDO:0015356.
Multiple endocrine neoplasia, type 1 (MEN1). Also called: MEN I; WERMER SYNDROME; MEA I; Endocrine adenomatosis multiple; MEN 1. Identifiers: Orphanet 652, MedGen C0025267, MeSH D018761, MONDO:0007540, OMIM 131100.

gnomAD v4.1: 12 of 1,594,912 alleles (0.00075%); highest among the groups gnomAD compares: African/African-American, 0.0013%; no homozygotes.

Submissions (3):

Labcorp Genetics (formerly Invitae), Labcorp
Classification: Uncertain significance for Multiple endocrine neoplasia, type 1. Last evaluated: 2025-11-10. Review status: criteria provided, single submitter. Criteria: Invitae Variant Classification Sherloc (09022015). Collection method: clinical testing. Allele origin: germline.
Comment: This sequence change replaces proline, which is neutral and non-polar, with leucine, which is neutral and non-polar, at codon 492 of the MEN1 protein (p.Pro492Leu). This variant is not present in population databases (gnomAD no frequency). This variant has not been reported in the literature in individuals affected with MEN1-related conditions. ClinVar contains an entry for this variant (Variation ID: 860943). Invitae Evidence Modeling of protein sequence and biophysical properties (such as structural, functional, and spatial information, amino acid conservation, physicochemical variation, residue mobility, and thermodynamic stability) has been performed for this missense variant. However, the output from this modeling did not meet the statistical confidence thresholds required to predict the impact of this variant on MEN1 protein function. In summary, the available evidence is currently insufficient to determine the role of this variant in disease. Therefore, it has been classified as a Variant of Uncertain Significance.

Color Diagnostics, LLC DBA Color Health
Classification: Uncertain significance for Multiple endocrine neoplasia, type 1. Last evaluated: 2025-07-15. Review status: criteria provided, single submitter. Criteria: ACMG Guidelines, 2015. Collection method: clinical testing. Allele origin: germline.
Comment: This missense variant replaces proline with leucine at codon 492 of the MEN1 protein. Computational prediction suggests that this variant may not impact protein structure and function. To our knowledge, functional studies have not been reported for this variant. This variant has not been reported in individuals affected with MEN1-related disorders in the literature. This variant has not been identified in the general population by the Genome Aggregation Database (gnomAD). The available evidence is insufficient to determine the role of this variant in disease conclusively. Therefore, this variant is classified as a Variant of Uncertain Significance.

Ambry Genetics
Classification: Uncertain significance for Hereditary cancer-predisposing syndrome. Last evaluated: 2025-04-12. Review status: criteria provided, single submitter. Criteria: Ambry Variant Classification Scheme 2023. Collection method: clinical testing. Allele origin: germline.
Comment: The p.P492L variant (also known as c.1475C>T), located in coding exon 9 of the MEN1 gene, results from a C to T substitution at nucleotide position 1475. The proline at codon 492 is replaced by leucine, an amino acid with similar properties. This amino acid position is well conserved in available vertebrate species. In addition, the in silico prediction for this alteration is inconclusive. Since supporting evidence is limited at this time, the clinical significance of this alteration remains unclear.